The following is an entry in ClinVar:

NM_001197104.2(KMT2A):c.2317C>A (p.Pro773Thr)

Gene: KMT2A (lysine methyltransferase 2A; plus strand). Cytogenetic location: 11q23.3.
Variant type: single nucleotide variant.
Coding change: c.2317C>A on transcript NM_001197104.2 (MANE Select); coding-DNA position 2317, C replaced by A.
Protein change: p.Pro773Thr; replaces proline 773 with threonine.
Molecular consequence: missense variant.
Genome position (GRCh38, 1-based): chr11:118,473,476, C>A. VCF-style: chr11-118473476-C-A. GRCh37 (hg19) VCF-style: chr11-118344191-C-A.
Other names: c.2416C>A, p.Pro806Thr (NM_001412597.1); c.2317C>A, p.Pro773Thr (NM_005933.4); short protein forms P773T, P806T.
Identifiers: ClinVar variation 3339918 (VCV003339918.1).

ClinVar aggregate classification (germline): Uncertain significance (1 of 4 stars; one submission).

gnomAD v4.1: 1 of 1,614,080 alleles (0.000062%); highest among the groups gnomAD compares: Non-Finnish European, 0.000085%; no homozygotes.

Submission:

Women's Health and Genetics/Laboratory Corporation of America, LabCorp
Classification: Uncertain significance. Last evaluated: 2024-06-20. Review status: criteria provided, single submitter. Criteria: LabCorp Variant Classification Summary - May 2015. Collection method: clinical testing. Allele origin: germline.
Comment: Variant summary: KMT2A c.2317C>A (p.Pro773Thr) results in a non-conservative amino acid change in the encoded protein sequence. Three of five in-silico tools predict a benign effect of the variant on protein function. The variant was absent in 251238 control chromosomes. The available data on variant occurrences in the general population are insufficient to allow any conclusion about variant significance. To our knowledge, no occurrence of c.2317C>A in individuals affected with Wiedemann-Steiner Syndrome and no experimental evidence demonstrating its impact on protein function have been reported. No submitters have cited clinical-significance assessments for this variant to ClinVar. Based on the evidence outlined above, the variant was classified as uncertain significance.